The following is an entry in ClinVar:

ClinVar aggregate classification (germline): Benign/Likely benign. Review status: criteria provided, multiple submitters, no conflicts (2 of 4 stars). 9 submissions from 9 submitters: Benign (2); Likely benign (7). Last evaluated 2025-12-15.

Conditions:
Hereditary cancer-predisposing syndrome. Also called: Tumor predisposition; Hereditary Cancer Syndrome; Neoplastic Syndromes, Hereditary; Hereditary neoplastic syndrome. Identifiers: Orphanet 140162, MedGen C0027672, MeSH D009386, MONDO:0015356.
Peutz-Jeghers syndrome (PJS). Also called: POLYPOSIS, HAMARTOMATOUS INTESTINAL; POLYPS-AND-SPOTS SYNDROME; Peutz-Jeghers polyposis; Periorificial lentiginosis syndrome. Identifiers: Orphanet 2869, MedGen C0031269, MeSH D010580, MONDO:0008280, OMIM 175200.

Allele frequency attached by ClinVar (database versions not stated): gnomAD exomes 0.00002.
gnomAD v4.1: 10 of 1,609,432 alleles (0.00062%); highest among the groups gnomAD compares: Admixed American, 0.005%; no homozygotes.

Submissions (9):

Labcorp Genetics (formerly Invitae), Labcorp
Classification: Likely benign for Peutz-Jeghers syndrome. Last evaluated: 2025-12-15. Review status: criteria provided, single submitter. Criteria: Invitae Variant Classification Sherloc (09022015). Collection method: clinical testing. Allele origin: germline.

Myriad Genetics, Inc.
Classification: Benign for Peutz-Jeghers syndrome. Last evaluated: 2025-03-28. Review status: criteria provided, single submitter. Criteria: Myriad Autosomal Dominant, Autosomal Recessive and X-Linked Classification Criteria (2023). Collection method: clinical testing. Allele origin: unknown.
Comment: This variant is considered benign. This variant is a silent/synonymous amino acid change and it is not expected to impact splicing.

All of Us Research Program, National Institutes of Health
Classification: Likely benign for Peutz-Jeghers syndrome. Last evaluated: 2024-06-09. Review status: criteria provided, single submitter. Criteria: ACMG Guidelines, 2015. Collection method: clinical testing. Allele origin: germline. Inheritance: Autosomal dominant inheritance. Observed: 2 variant alleles, 2 heterozygotes.
Comment: This study involves interpretation of variants in research participants for the purpose of population health screening. Participant phenotype was not available at the time of variant classification. Additional details can be found in publication PMID: 35346344, PMCID: PMC8962531

Genome-Nilou Lab
Classification: Likely benign for Peutz-Jeghers syndrome. Last evaluated: 2021-07-15. Review status: criteria provided, single submitter. Criteria: ACMG Guidelines, 2015. Collection method: clinical testing. Allele origin: germline. Affected: no.

Department of Pathology and Laboratory Medicine, Sinai Health System
Classification: Likely benign for Peutz-Jeghers syndrome. Last evaluated: 2021-01-11. Review status: criteria provided, single submitter. Criteria: ACMG Guidelines, 2015. Collection method: clinical testing. Allele origin: germline. Affected: yes.

Sema4
Classification: Likely benign for Hereditary cancer-predisposing syndrome. Last evaluated: 2020-09-30. Review status: criteria provided, single submitter. Criteria: Sema4 Curation Guidelines. Collection method: curation. Allele origin: germline.

Quest Diagnostics Nichols Institute San Juan Capistrano
Classification: Benign. Last evaluated: 2020-08-14. Review status: criteria provided, single submitter. Criteria: Quest Diagnostics criteria. Collection method: clinical testing. Allele origin: unknown.

Ambry Genetics
Classification: Likely benign for Hereditary cancer-predisposing syndrome. Last evaluated: 2019-08-20. Review status: criteria provided, single submitter. Criteria: Ambry Variant Classification Scheme 2023. Collection method: clinical testing. Allele origin: germline.

Color Diagnostics, LLC DBA Color Health
Classification: Likely benign for Hereditary cancer-predisposing syndrome. Last evaluated: 2018-07-25. Review status: criteria provided, single submitter. Criteria: ACMG Guidelines, 2015. Collection method: clinical testing. Allele origin: germline.

NM_000455.5(STK11):c.1179C>T (p.Asn393=)

Gene: STK11 (serine/threonine kinase 11; plus strand). Cytogenetic location: 19p13.3.
Variant type: single nucleotide variant.
Coding change: c.1179C>T on transcript NM_000455.5 (MANE Select); coding-DNA position 1179, C replaced by T.
Protein change: p.Asn393=; no amino-acid change (asparagine 393 retained).
Molecular consequence: synonymous variant.
Genome position (GRCh38, 1-based): chr19:1,226,524, C>T. VCF-style: chr19-1226524-C-T. GRCh37 (hg19) VCF-style: chr19-1226523-C-T.
Identifiers: ClinVar variation 215736 (VCV000215736.25), dbSNP rs863224360, ClinGen allele CA337738.